The following is an entry in ClinVar:

NM_000535.7(PMS2):c.1187T>C (p.Met396Thr)

Gene: PMS2 (PMS1 homolog 2, mismatch repair system component; minus strand). Cytogenetic location: 7p22.1.
Variant type: single nucleotide variant.
Coding change: c.1187T>C on transcript NM_000535.7 (MANE Select); coding-DNA position 1187, T replaced by C.
Protein change: p.Met396Thr; replaces methionine 396 with threonine.
Molecular consequence: missense variant. On other transcripts: non-coding transcript variant (1).
Genome position (GRCh38, 1-based): chr7:5,987,578, A>G on the plus strand (T>C on the coding strand, the complement: PMS2 is on the minus strand). VCF-style: chr7-5987578-A-G. GRCh37 (hg19) VCF-style: chr7-6027209-A-G.
Other names: c.782T>C, p.Met261Thr (NM_001322003.2, NM_001322004.2, NM_001322005.2 and 1 more transcripts); c.1031T>C, p.Met344Thr (NM_001322006.2); c.869T>C, p.Met290Thr (NM_001322007.2, NM_001322008.2); c.626T>C, p.Met209Thr (NM_001322010.2); c.254T>C, p.Met85Thr (NM_001322011.2, NM_001322012.2); c.614T>C, p.Met205Thr (NM_001322013.2); c.1187T>C, p.Met396Thr (NM_001322014.2); c.878T>C, p.Met293Thr (NM_001322015.2); short protein forms M396T, M205T, M290T, M209T, M85T, M261T, M293T, M344T.
Identifiers: ClinVar variation 186114 (VCV000186114.16), dbSNP rs786202704, ClinGen allele CA009296.

ClinVar aggregate classification (germline): Uncertain significance. Review status: criteria provided, multiple submitters, no conflicts (2 of 4 stars). 3 submissions from 3 submitters: Uncertain significance (3). Last evaluated 2024-12-04.

Conditions:
Hereditary nonpolyposis colorectal neoplasms. Identifiers: MedGen C0009405, MeSH D003123.
Hereditary cancer-predisposing syndrome. Also called: Hereditary neoplastic syndrome; Neoplastic Syndromes, Hereditary; Tumor predisposition; Hereditary Cancer Syndrome. Identifiers: Orphanet 140162, MedGen C0027672, MeSH D009386, MONDO:0015356.

Submissions (3):

Labcorp Genetics (formerly Invitae), Labcorp
Classification: Uncertain significance for Hereditary nonpolyposis colorectal neoplasms. Last evaluated: 2024-12-04. Review status: criteria provided, single submitter. Criteria: Invitae Variant Classification Sherloc (09022015). Collection method: clinical testing. Allele origin: germline.
Comment: This sequence change replaces methionine, which is neutral and non-polar, with threonine, which is neutral and polar, at codon 396 of the PMS2 protein (p.Met396Thr). This variant is not present in population databases (gnomAD no frequency). This variant has not been reported in the literature in individuals affected with PMS2-related conditions. ClinVar contains an entry for this variant (Variation ID: 186114). Invitae Evidence Modeling incorporating data from in vitro experimental studies (internal data) indicates that this missense variant is not expected to disrupt PMS2 function with a negative predictive value of 95%. In summary, the available evidence is currently insufficient to determine the role of this variant in disease. Therefore, it has been classified as a Variant of Uncertain Significance.

Institute for Biomarker Research, Medical Diagnostic Laboratories, L.L.C.
Classification: Uncertain significance for Hereditary cancer-predisposing syndrome. Last evaluated: 2024-06-17. Review status: criteria provided, single submitter. Criteria: ACMG Guidelines, 2015. Collection method: clinical testing. Allele origin: germline.

Ambry Genetics
Classification: Uncertain significance for Hereditary cancer-predisposing syndrome. Last evaluated: 2023-10-10. Review status: criteria provided, single submitter. Criteria: Ambry Variant Classification Scheme 2023. Collection method: clinical testing. Allele origin: germline.
Comment: The p.M396T variant (also known as c.1187T>C), located in coding exon 11 of the PMS2 gene, results from a T to C substitution at nucleotide position 1187. The methionine at codon 396 is replaced by threonine, an amino acid with similar properties. This amino acid position is poorly conserved in available vertebrate species. In addition, this alteration is predicted to be tolerated by in silico analysis. Since supporting evidence is limited at this time, the clinical significance of this alteration remains unclear.